The following is an entry in ClinVar:

ClinVar aggregate classification (germline): Conflicting classifications of pathogenicity. Review status: criteria provided, conflicting classifications (1 of 4 stars). 14 submissions from 14 submitters: Uncertain significance (12); Likely benign (2). Last evaluated 2026-07-15.

Conditions:
Endometrial carcinoma. Also called: Endometrial carcinoma, somatic. Identifiers: MedGen C0476089, MONDO:0002447, OMIM 608089, HP:0012114.
MSH3-related disorder. Also called: MSH3-related condition.
Familial adenomatous polyposis 4 (FAP4). Also called: MSH3-related attenuated familial adenomatous polyposis. Identifiers: Orphanet 480536, MedGen C4310719, MONDO:0044300, OMIM 617100.
Hereditary cancer-predisposing syndrome. Also called: Neoplastic Syndromes, Hereditary; Hereditary Cancer Syndrome; Tumor predisposition; Hereditary neoplastic syndrome. Identifiers: Orphanet 140162, MedGen C0027672, MeSH D009386, MONDO:0015356.

Allele frequency attached by ClinVar (database versions not stated): 1000 Genomes Project 30x 0.00016; 1000 Genomes Project 0.00020; ExAC 0.00021; gnomAD 0.00021 and 0.00022; ESP Exome Variant Server 0.00023; gnomAD exomes 0.00023 and 0.00033; TOPMed 0.00023.
gnomAD v4.1: 520 of 1,611,422 alleles (0.032%); highest among the groups gnomAD compares: Admixed American, 0.047%; no homozygotes.

Submissions (14):

PreventionGenetics, part of Exact Sciences
Classification: Uncertain significance for MSH3-related condition. Last evaluated: 2026-07-15. Review status: criteria provided, single submitter. Criteria: ACMG Guidelines, 2015. Collection method: clinical testing. Allele origin: germline.
Comment: The MSH3 c.2438A>G variant is predicted to result in the amino acid substitution p.Lys813Arg. This variant has been reported in an individual with renal cell carcinoma (Supplemental Table 2, Nguyen et al. 2023. PubMed ID: 38127826). This variant is reported in 0.042% of alleles in individuals of Latino descent in gnomAD. This variant has conflicting interpretations in Clinvar from uncertain significance to likely benign (Variation ID: 663743). At this time, the clinical significance of this variant is uncertain due to the absence of conclusive functional and genetic evidence.

Labcorp Genetics (formerly Invitae), Labcorp
Classification: Uncertain significance. Last evaluated: 2026-02-03. Review status: criteria provided, single submitter. Criteria: Invitae Variant Classification Sherloc (09022015). Collection method: clinical testing. Allele origin: germline.
Comment: This sequence change replaces lysine, which is basic and polar, with arginine, which is basic and polar, at codon 813 of the MSH3 protein (p.Lys813Arg). This variant is present in population databases (rs150446804, gnomAD 0.05%). This missense change has been observed in individual(s) with colorectal cancer (PMID: 28944238). ClinVar contains an entry for this variant (Variation ID: 663743). An algorithm developed to predict the effect of missense changes on protein structure and function (PolyPhen-2) suggests that this variant is likely to be tolerated. In summary, the available evidence is currently insufficient to determine the role of this variant in disease. Therefore, it has been classified as a Variant of Uncertain Significance.

Quest Diagnostics Nichols Institute San Juan Capistrano
Classification: Uncertain significance. Last evaluated: 2025-10-17. Review status: criteria provided, single submitter. Criteria: Quest Diagnostics criteria. Collection method: clinical testing. Allele origin: unknown.
Comment: The MSH3 c.2438A>G (p.Lys813Arg) variant has been reported in the published literature in individuals with colorectal cancer (PMIDs: 28944238 (2017), 39130150 (2023)) and renal cell carcinoma (PMID: 38127826 (2023)). The frequency of this variant in the general population (Genome Aggregation Database) is uninformative in the assessment of its pathogenicity. Analysis of this variant using bioinformatics tools for the prediction of the effect of amino acid changes on protein structure and function yielded predictions that this variant is benign. Based on the available information, we are unable to determine the clinical significance of this variant.

GeneDx
Classification: Uncertain significance. Last evaluated: 2025-04-23. Review status: criteria provided, single submitter. Criteria: GeneDx Variant Classification Process June 2021. Collection method: clinical testing. Allele origin: germline. Affected: yes.
Comment: In silico analysis indicates that this missense variant does not alter protein structure/function; This variant is associated with the following publications: (PMID: 38127826)

Center for Genomic Medicine, Rigshospitalet, Copenhagen University Hospital
Classification: Uncertain significance. Last evaluated: 2025-03-04. Review status: criteria provided, single submitter. Criteria: ACMG Guidelines, 2015. Collection method: clinical testing. Allele origin: germline.

Ambry Genetics
Classification: Uncertain significance for Hereditary cancer-predisposing syndrome. Last evaluated: 2024-11-13. Review status: criteria provided, single submitter. Criteria: Ambry Variant Classification Scheme 2023. Collection method: clinical testing. Allele origin: germline.
Comment: The p.K813R variant (also known as c.2438A>G), located in coding exon 18 of the MSH3 gene, results from an A to G substitution at nucleotide position 2438. The lysine at codon 813 is replaced by arginine, an amino acid with highly similar properties. This amino acid position is poorly conserved in available vertebrate species. In addition, this alteration is predicted to be tolerated by in silico analysis. Based on the available evidence, the clinical significance of this variant remains unclear.

Mayo Clinic Laboratories, Mayo Clinic
Classification: Uncertain significance. Last evaluated: 2024-08-05. Review status: criteria provided, single submitter. Criteria: ACMG Guidelines, 2015. Collection method: clinical testing. Allele origin: germline. Observed: 10 variant alleles.

Blueprint Genetics
Classification: Likely benign. Last evaluated: 2024-05-03. Review status: criteria provided, single submitter. Criteria: ACMG Guidelines, 2015. Collection method: clinical testing. Allele origin: germline.

Baylor Genetics
Classification: Uncertain significance for Endometrial carcinoma. Last evaluated: 2024-03-27. Review status: criteria provided, single submitter. Criteria: ACMG Guidelines, 2015. Collection method: clinical testing. Allele origin: unknown.

St. Jude Molecular Pathology, St. Jude Children's Research Hospital
Classification: Uncertain significance for Familial adenomatous polyposis 4. Last evaluated: 2024-03-15. Review status: criteria provided, single submitter. Criteria: St. Jude Assertion Criteria 2020. Collection method: clinical testing. Allele origin: germline.
Comment: The MSH3 c.2438A>G (p.Lys813Arg) missense change has a maximum subpopulation frequency of 0.042% in gnomAD v2.1.1. The in silico tool REVEL is inconclusive about a pathogenic or benign effect of this variant on protein function, and functional studies have not been performed. This variant has not been reported in individuals with MSH3-associated polyposis syndrome. In summary, the evidence currently available is insufficient to determine the clinical significance of this variant. It has therefore been classified as of uncertain significance.

CeGaT Center for Human Genetics Tuebingen
Classification: Likely benign. Last evaluated: 2022-01-01. Review status: criteria provided, single submitter. Criteria: CeGaT Center For Human Genetics Tuebingen Variant Classification Criteria Version 2. Collection method: clinical testing. Allele origin: germline. Affected: yes. Observed: 1 variant allele.

Department of Pathology and Laboratory Medicine, Sinai Health System
Classification: Uncertain significance for Endometrial carcinoma; Familial adenomatous polyposis 4. Last evaluated: 2021-12-30. Review status: criteria provided, single submitter. Criteria: ACMG Guidelines, 2015. Collection method: clinical testing. Allele origin: germline. Affected: yes.

Sema4
Classification: Uncertain significance for Hereditary cancer-predisposing syndrome. Last evaluated: 2021-12-21. Review status: criteria provided, single submitter. Criteria: Sema4 Curation Guidelines. Collection method: curation. Allele origin: germline.
Comment: The MSH3 c.2438A>G (p.K813R) variant has not been reported in individuals with MHS3-related disorders to our knowledge. It was observed in 15/35426 chromosomes of the Latino/Admixed American subpopulation in the large and broad cohorts of the Genome Aggregation Database (PMID: 32461654). The variant has been reported in ClinVar (Variation ID 663743). Functional studies have not been performed, and in silico predictions of the variant's effect on protein function are inconclusive. The evidence is insufficient to meet ACMG/AMP criteria for classifying the variant as benign or pathogenic. Thus, the clinical significance of this variant is currently uncertain.

Institute for Clinical Genetics, University Hospital TU Dresden, University Hospital TU Dresden
Classification: Uncertain significance. Last evaluated: 2021-11-03. Review status: criteria provided, single submitter. Criteria: ACMG Guidelines, 2015. Collection method: clinical testing. Allele origin: germline.

Literature cited by the submitters: PubMed 28944238 (cited by Labcorp Genetics (formerly Invitae), Labcorp and Quest Diagnostics Nichols Institute San Juan Capistrano); PubMed 38127826 (cited by Quest Diagnostics Nichols Institute San Juan Capistrano); PubMed 39130150 (cited by Quest Diagnostics Nichols Institute San Juan Capistrano).

NM_002439.5(MSH3):c.2438A>G (p.Lys813Arg)

Gene: MSH3 (mutS homolog 3; plus strand). Cytogenetic location: 5q14.1.
Variant type: single nucleotide variant.
Coding change: c.2438A>G on transcript NM_002439.5 (MANE Select); coding-DNA position 2438, A replaced by G.
Protein change: p.Lys813Arg; replaces lysine 813 with arginine.
Molecular consequence: missense variant.
Genome position (GRCh38, 1-based): chr5:80,787,567, A>G. VCF-style: chr5-80787567-A-G. GRCh37 (hg19) VCF-style: chr5-80083386-A-G.
Other names: p.Lys813Arg; short protein forms K813R.
Identifiers: ClinVar variation 663743 (VCV000663743.60), dbSNP rs150446804, ClinGen allele CA3328261.